The following is an entry in ClinVar:

ClinVar aggregate classification (germline): Uncertain significance. Review status: criteria provided, multiple submitters, no conflicts (2 of 4 stars). 2 submissions from 2 submitters: Uncertain significance (2). Last evaluated 2026-05-21.

Conditions:
Familial thoracic aortic aneurysm and aortic dissection (TAAD). Also called: Thoracic aortic aneurysms and dissections. Identifiers: Orphanet 91387, MedGen C4707243, MONDO:0019625.
Ehlers-Danlos syndrome, classic type, 1 (EDSCL1). Also called: EHLERS-DANLOS SYNDROME, GRAVIS TYPE; EHLERS-DANLOS SYNDROME, SEVERE CLASSIC TYPE; Ehlers-Danlos syndrome, type 1; Ehlers-Danlos Syndrome, Classic Type, COL5A1-Related; EDS I. Identifiers: MedGen C0268335, MONDO:0019567, OMIM 130000.

Allele frequency attached by ClinVar (database versions not stated): gnomAD exomes below 0.00001.
gnomAD v4.1: 1 of 1,613,932 alleles (0.000062%); highest among the groups gnomAD compares: Non-Finnish European, 0.000085%; no homozygotes.

Submissions (2):

Ambry Genetics
Classification: Uncertain significance for Familial thoracic aortic aneurysm and aortic dissection. Last evaluated: 2026-05-21. Review status: criteria provided, single submitter. Criteria: Ambry Variant Classification Scheme 2023. Collection method: clinical testing. Allele origin: germline.
Comment: The p.E1396G variant (also known as c.4187A>G), located in coding exon 53 of the COL5A2 gene, results from an A to G substitution at nucleotide position 4187. The glutamic acid at codon 1396 is replaced by glycine, an amino acid with similar properties. This amino acid position is conserved. In addition, the in silico prediction for this alteration is inconclusive. Based on the available evidence, the clinical significance of this variant remains unclear.

Labcorp Genetics (formerly Invitae), Labcorp
Classification: Uncertain significance for Ehlers-Danlos syndrome, classic type, 1. Last evaluated: 2023-10-04. Review status: criteria provided, single submitter. Criteria: Invitae Variant Classification Sherloc (09022015). Collection method: clinical testing. Allele origin: germline.
Comment: This sequence change replaces glutamic acid, which is acidic and polar, with glycine, which is neutral and non-polar, at codon 1396 of the COL5A2 protein (p.Glu1396Gly). This variant is not present in population databases (gnomAD no frequency). This variant has not been reported in the literature in individuals affected with COL5A2-related conditions. Advanced modeling of protein sequence and biophysical properties (such as structural, functional, and spatial information, amino acid conservation, physicochemical variation, residue mobility, and thermodynamic stability) performed at Invitae indicates that this missense variant is not expected to disrupt COL5A2 protein function. Algorithms developed to predict the effect of sequence changes on RNA splicing suggest that this variant may create or strengthen a splice site. In summary, the available evidence is currently insufficient to determine the role of this variant in disease. Therefore, it has been classified as a Variant of Uncertain Significance.

NM_000393.5(COL5A2):c.4187A>G (p.Glu1396Gly)

Gene: COL5A2 (collagen type V alpha 2 chain; minus strand). Cytogenetic location: 2q32.2.
Variant type: single nucleotide variant.
Coding change: c.4187A>G on transcript NM_000393.5 (MANE Select); coding-DNA position 4187, A replaced by G.
Protein change: p.Glu1396Gly; replaces glutamic acid 1396 with glycine.
Molecular consequence: missense variant.
Genome position (GRCh38, 1-based): chr2:189,035,082, T>C on the plus strand (A>G on the coding strand, the complement: COL5A2 is on the minus strand). VCF-style: chr2-189035082-T-C. GRCh37 (hg19) VCF-style: chr2-189899808-T-C.
Other names: c.4187A>G (NM_000393.3); short protein forms E1396G.
Identifiers: ClinVar variation 2832749 (VCV002832749.4), dbSNP rs2469209657, ClinGen allele CA349855150.